The following is an entry in ClinVar:

NM_018718.3(CEP41):c.643-1G>A

Gene: CEP41 (centrosomal protein 41; minus strand). Cytogenetic location: 7q32.2.
Variant type: single nucleotide variant.
Coding change: c.643-1G>A on transcript NM_018718.3 (MANE Select); the canonical splice acceptor site of the intron before coding-DNA position 643, G replaced by A.
Molecular consequence: splice acceptor variant.
Genome position (GRCh38, 1-based): chr7:130,400,822, C>T on the plus strand (G>A on the coding strand, the complement: CEP41 is on the minus strand). VCF-style: chr7-130400822-C-T. GRCh37 (hg19) VCF-style: chr7-130040663-C-T.
Other names: c.595-1G>A (NM_001257159.2); c.643-1G>A (NM_001257158.2).
Identifiers: ClinVar variation 4739999 (VCV004739999.1).

ClinVar aggregate classification (germline): Likely pathogenic (1 of 4 stars; one submission).

Conditions:
Joubert syndrome 15 (JBTS15). Identifiers: Orphanet 475, MedGen C3280897, MONDO:0013763, OMIM 614464.

gnomAD v4.1: 2 of 1,599,692 alleles (0.00013%); highest among the groups gnomAD compares: African/African-American, 0.0027%; no homozygotes.

Submission:

Labcorp Genetics (formerly Invitae), Labcorp
Classification: Likely pathogenic for Joubert syndrome 15. Last evaluated: 2026-01-07. Review status: criteria provided, single submitter. Criteria: Invitae Variant Classification Sherloc (09022015). Collection method: clinical testing. Allele origin: germline.
Comment: This sequence change affects an acceptor splice site in intron 8 of the CEP41 gene. It is expected to disrupt RNA splicing. Variants that disrupt the donor or acceptor splice site typically lead to a loss of protein function (PMID: 16199547), and loss-of-function variants in CEP41 are known to be pathogenic (PMID: 22246503). This variant is present in population databases (no rsID available, gnomAD 0.007%). This variant has not been reported in the literature in individuals affected with CEP41-related conditions. Algorithms developed to predict the effect of sequence changes on RNA splicing suggest that this variant may disrupt the consensus splice site. In summary, the currently available evidence indicates that the variant is pathogenic, but additional data are needed to prove that conclusively. Therefore, this variant has been classified as Likely Pathogenic.

Literature cited by the submitters: PubMed 16199547; PubMed 22246503.